The following is an entry in ClinVar:

ClinVar aggregate classification (germline): Uncertain significance. Review status: criteria provided, multiple submitters, no conflicts (2 of 4 stars). 3 submissions from 3 submitters: Uncertain significance (3). Last evaluated 2024-11-06.

Conditions:
Hereditary cancer-predisposing syndrome. Also called: Neoplastic Syndromes, Hereditary; Hereditary Cancer Syndrome; Hereditary neoplastic syndrome; Tumor predisposition. Identifiers: Orphanet 140162, MedGen C0027672, MeSH D009386, MONDO:0015356.
Cardiovascular phenotype. Identifiers: MedGen CN230736.
Neurofibromatosis, type 1 (NF1). Also called: Neurofibromatosis, type I; Peripheral type neurofibromatosis; VON RECKLINGHAUSEN DISEASE; NEUROFIBROMATOSIS, TYPE I, SOMATIC. Identifiers: Orphanet 636, MedGen C0027831, MONDO:0018975, OMIM 162200. Disease mechanism: loss of function.

Submissions (3):

Labcorp Genetics (formerly Invitae), Labcorp
Classification: Uncertain significance for Neurofibromatosis, type 1. Last evaluated: 2024-11-06. Review status: criteria provided, single submitter. Criteria: Invitae Variant Classification Sherloc (09022015). Collection method: clinical testing. Allele origin: germline.
Comment: This sequence change replaces proline, which is neutral and non-polar, with leucine, which is neutral and non-polar, at codon 2345 of the NF1 protein (p.Pro2345Leu). This variant is not present in population databases (gnomAD no frequency). This variant has not been reported in the literature in individuals affected with NF1-related conditions. ClinVar contains an entry for this variant (Variation ID: 826790). Invitae Evidence Modeling of protein sequence and biophysical properties (such as structural, functional, and spatial information, amino acid conservation, physicochemical variation, residue mobility, and thermodynamic stability) indicates that this missense variant is expected to disrupt NF1 protein function with a positive predictive value of 95%. In summary, the available evidence is currently insufficient to determine the role of this variant in disease. Therefore, it has been classified as a Variant of Uncertain Significance.

Genome-Nilou Lab
Classification: Uncertain significance for Neurofibromatosis, type 1. Last evaluated: 2022-03-15. Review status: criteria provided, single submitter. Criteria: ACMG Guidelines, 2015. Collection method: clinical testing. Allele origin: germline. Affected: no.

Ambry Genetics
Classification: Uncertain significance for Cardiovascular phenotype; Hereditary cancer-predisposing syndrome. Last evaluated: 2018-11-09. Review status: criteria provided, single submitter. Criteria: Ambry Variant Classification Scheme 2023. Collection method: clinical testing. Allele origin: germline.
Comment: The p.P2345L variant (also known as c.7034C>T), located in coding exon 47 of the NF1 gene, results from a C to T substitution at nucleotide position 7034. The proline at codon 2345 is replaced by leucine, an amino acid with similar properties. This amino acid position is highly conserved in available vertebrate species. In addition, the in silico prediction for this alteration is inconclusive. Since supporting evidence is limited at this time, the clinical significance of this alteration remains unclear.

NM_001042492.3(NF1):c.7097C>T (p.Pro2366Leu)

Gene: NF1 (neurofibromin 1; plus strand). Cytogenetic location: 17q11.2.
Variant type: single nucleotide variant.
Coding change: c.7097C>T on transcript NM_001042492.3 (MANE Select); coding-DNA position 7097, C replaced by T.
Protein change: p.Pro2366Leu; replaces proline 2366 with leucine.
Molecular consequence: missense variant.
Genome position (GRCh38, 1-based): chr17:31,343,043, C>T. VCF-style: chr17-31343043-C-T. GRCh37 (hg19) VCF-style: chr17-29670061-C-T.
Other names: c.7034C>T, p.Pro2345Leu (NM_000267.4); short protein forms P2345L, P2366L.
Identifiers: ClinVar variation 826790 (VCV000826790.12), dbSNP rs1597851311, ClinGen allele CA399015578.